The following is an entry in ClinVar:

NM_001018005.2(TPM1):c.772+248C>G

Gene: TPM1 (tropomyosin 1; plus strand). Cytogenetic location: 15q22.2.
Variant type: single nucleotide variant.
Coding change: c.772+248C>G on transcript NM_001018005.2 (MANE Select); 248 bases into the intron after coding-DNA position 772, C replaced by G.
Molecular consequence: intron variant.
Genome position (GRCh38, 1-based): chr15:63,062,893, C>G. VCF-style: chr15-63062893-C-G. GRCh37 (hg19) VCF-style: chr15-63355092-C-G.
Other names: c.898+248C>G (NM_001365778.1); c.772+248C>G (NM_001018020.2, NM_001018007.2, NM_001018006.2 and 6 more transcripts); c.664+248C>G (NM_001330351.2, NM_001330344.2, NM_001018008.2 and 5 more transcripts).
Identifiers: ClinVar variation 678623 (VCV000678623.3), dbSNP rs12442826, ClinGen allele CA14103809.

ClinVar aggregate classification (germline): Benign. Review status: criteria provided, multiple submitters, no conflicts (2 of 4 stars). 3 submissions from 3 submitters: Benign (3). Last evaluated 2019-11-15.

Allele frequency attached by ClinVar (database versions not stated): gnomAD 0.22492 and 0.23517; TOPMed 0.24151; gnomAD exomes 0.24472; 1000 Genomes Project 30x 0.31543; 1000 Genomes Project 0.31689.
gnomAD v4.1: 362,330 of 1,485,858 alleles (24%); highest among the groups gnomAD compares: East Asian, 43%; 47,770 homozygotes.

Submissions (3):

Blueprint Genetics
Classification: Benign. Last evaluated: 2019-11-15. Review status: criteria provided, single submitter. Criteria: ACMG Guidelines, 2015. Collection method: clinical testing. Allele origin: germline.

GeneDx
Classification: Benign. Last evaluated: 2018-06-16. Review status: criteria provided, single submitter. Criteria: GeneDx Variant Classification (06012015). Collection method: clinical testing. Allele origin: germline. Affected: yes.
Comment: This variant is considered likely benign or benign based on one or more of the following criteria: it is a conservative change, it occurs at a poorly conserved position in the protein, it is predicted to be benign by multiple in silico algorithms, and/or has population frequency not consistent with disease.

Breakthrough Genomics
Classification: Benign. Review status: criteria provided, single submitter. Criteria: ACMG Guidelines, 2015. Collection method: not provided. Allele origin: germline. Inheritance: Autosomal dominant inheritance. Affected: yes.